The following is an entry in ClinVar:

NM_018051.5(DYNC2I1):c.2029G>A (p.Val677Ile)

Gene: DYNC2I1 (dynein 2 intermediate chain 1; plus strand). Cytogenetic location: 7q36.3.
Variant type: single nucleotide variant.
Coding change: c.2029G>A on transcript NM_018051.5 (MANE Select); coding-DNA position 2029, G replaced by A.
Protein change: p.Val677Ile; replaces valine 677 with isoleucine.
Molecular consequence: missense variant.
Genome position (GRCh38, 1-based): chr7:158,922,484, G>A. VCF-style: chr7-158922484-G-A. GRCh37 (hg19) VCF-style: chr7-158715175-G-A.
Other names: c.1891G>A, p.Val631Ile (NM_001350914.2); c.1456G>A, p.Val486Ile (NM_001350915.2); c.568G>A, p.Val190Ile (NM_001350916.2); c.781G>A, p.Val261Ile (NM_001350917.2, NM_001350918.2); c.2029G>A (NM_018051.4); short protein forms V190I, V261I, V486I, V631I, V677I.
Identifiers: ClinVar variation 1680701 (VCV001680701.7), dbSNP rs767670522, ClinGen allele CA4594844.

ClinVar aggregate classification (germline): Conflicting classifications of pathogenicity. Review status: criteria provided, conflicting classifications (1 of 4 stars). 2 submissions from 2 submitters: Uncertain significance (1); Likely benign (1). Last evaluated 2025-01-07.

Conditions:
Short-rib thoracic dysplasia 8 with or without polydactyly (SRTD8). Also called: SHORT-RIB THORACIC DYSPLASIA 8 WITH POLYDACTYLY. Identifiers: Orphanet 93271, MedGen C3809691, MONDO:0014214, OMIM 615503.
Inborn genetic diseases. Identifiers: MedGen C0950123, MeSH D030342.

Allele frequency attached by ClinVar (database versions not stated): gnomAD exomes 0.00001; TOPMed 0.00003; gnomAD 0.00005; ExAC 0.00001.
gnomAD v4.1: 62 of 1,613,798 alleles (0.0038%); highest among the groups gnomAD compares: Non-Finnish European, 0.0042%; no homozygotes.

Submissions (2):

Ambry Genetics
Classification: Likely benign for Inborn genetic diseases. Last evaluated: 2025-01-07. Review status: criteria provided, single submitter. Criteria: Ambry Variant Classification Scheme 2023. Collection method: clinical testing. Allele origin: germline.

Labcorp Genetics (formerly Invitae), Labcorp
Classification: Uncertain significance for Short-rib thoracic dysplasia 8 with or without polydactyly. Last evaluated: 2024-12-02. Review status: criteria provided, single submitter. Criteria: Invitae Variant Classification Sherloc (09022015). Collection method: clinical testing. Allele origin: germline.
Comment: This sequence change replaces valine, which is neutral and non-polar, with isoleucine, which is neutral and non-polar, at codon 677 of the WDR60 protein (p.Val677Ile). This variant is present in population databases (rs767670522, gnomAD 0.003%). This variant has not been reported in the literature in individuals affected with WDR60-related conditions. ClinVar contains an entry for this variant (Variation ID: 1680701). An algorithm developed to predict the effect of missense changes on protein structure and function outputs the following: PolyPhen-2: "Benign". The isoleucine amino acid residue is found in multiple mammalian species, which suggests that this missense change does not adversely affect protein function. In summary, the available evidence is currently insufficient to determine the role of this variant in disease. Therefore, it has been classified as a Variant of Uncertain Significance.